The following is an entry in ClinVar:

NM_001048174.2(MUTYH):c.607-9C>T

Gene: MUTYH (mutY DNA glycosylase; minus strand). Cytogenetic location: 1p34.1.
Variant type: single nucleotide variant.
Coding change: c.607-9C>T on transcript NM_001048174.2 (MANE Select); 9 bases into the intron before coding-DNA position 607, C replaced by T.
Molecular consequence: intron variant.
Genome position (GRCh38, 1-based): chr1:45,332,497, G>A on the plus strand (C>T on the coding strand, the complement: MUTYH is on the minus strand). VCF-style: chr1-45332497-G-A. GRCh37 (hg19) VCF-style: chr1-45798169-G-A.
Other names: c.262-9C>T (NM_001350651.2, NM_001350650.2); c.331-9C>T (NM_001293192.2, NM_001293196.2); c.607-9C>T (NM_001048171.2, NM_001048173.2, NM_001293195.2); c.652-9C>T (NM_001293190.2); c.682-9C>T (NM_012222.3); c.691-9C>T (NM_001128425.2, NM_001128425.1); c.610-9C>T (NM_001048172.2); c.640-9C>T (NM_001293191.2).
Identifiers: ClinVar variation 1112635 (VCV001112635.11), dbSNP rs770008958, ClinGen allele CA058704.

ClinVar aggregate classification (germline): Likely benign. Review status: criteria provided, multiple submitters, no conflicts (2 of 4 stars). 3 submissions from 3 submitters: Likely benign (3). Last evaluated 2023-12-13.

Conditions:
Familial adenomatous polyposis 2. Also called: FAP type 2; MUTYH Polyposis; COLORECTAL ADENOMATOUS POLYPOSIS, AUTOSOMAL RECESSIVE; ADENOMAS, MULTIPLE COLORECTAL, AUTOSOMAL RECESSIVE; MYH-associated polyposis; MUTYH-associated polyposis. Identifiers: Orphanet 220460, Orphanet 247798, MedGen C3272841, MONDO:0012041, OMIM 608456.

Allele frequency attached by ClinVar (database versions not stated): gnomAD exomes below 0.00001 and 0.00001; TOPMed below 0.00001; ExAC 0.00002.
gnomAD v4.1: 6 of 1,614,116 alleles (0.00037%); highest among the groups gnomAD compares: African/African-American, 0.0013%; no homozygotes.

Submissions (3):

Labcorp Genetics (formerly Invitae), Labcorp
Classification: Likely benign for Familial adenomatous polyposis 2. Last evaluated: 2023-12-13. Review status: criteria provided, single submitter. Criteria: Invitae Variant Classification Sherloc (09022015). Collection method: clinical testing. Allele origin: germline.

Department of Pathology and Laboratory Medicine, Sinai Health System
Classification: Likely benign for Familial adenomatous polyposis 2. Last evaluated: 2023-10-11. Review status: criteria provided, single submitter. Criteria: ACMG Guidelines, 2015. Collection method: clinical testing. Allele origin: germline. Affected: yes.

All of Us Research Program, National Institutes of Health
Classification: Likely benign for Familial adenomatous polyposis 2. Last evaluated: 2023-04-03. Review status: criteria provided, single submitter. Criteria: ACMG Guidelines, 2015. Collection method: clinical testing. Allele origin: germline. Inheritance: Autosomal recessive inheritance. Observed: 1 variant allele, 1 heterozygote.
Comment: This study involves interpretation of variants in research participants for the purpose of population health screening. Participant phenotype was not available at the time of variant classification. Additional details can be found in publication PMID: 35346344, PMCID: PMC8962531